The following is an entry in ClinVar:

NM_014946.4(SPAST):c.330del (p.Gly111fs)

Gene: SPAST (spastin; plus strand). Cytogenetic location: 2p22.3.
Variant type: Deletion.
Coding change: c.330del on transcript NM_014946.4 (MANE Select); coding-DNA position 330, one base deleted (C; older notation c.330delC).
Protein change: p.Gly111fs; shifts the reading frame from glycine 111.
Molecular consequence: frameshift variant.
Genome position (GRCh38, 1-based): chr2:32,064,161, C deleted. VCF-style (leftmost placement, unchanged base first): chr2-32064160-GC-G. GRCh37 (hg19) VCF-style: chr2-32289229-GC-G.
Other names: c.330del, p.Gly111fs (NM_001363823.2, NM_001363875.2, NM_001377959.1 and 1 more transcripts); short protein forms G111fs.
Identifiers: ClinVar variation 3041351 (VCV003041351.2), dbSNP rs2465682455, ClinGen allele CA2576929939.
Genomic context (GRCh38, chr2:32,064,160, plus strand): 5'-AGAGGAGCTCCGGGGCCGCGCCAGCACCTGCCTCGGCCTCGGCCCCGGCGCCGGTGCCGG[GC>G]GGCGAGGCCGAGCGCGTCCGAGTCTTCCACAAACAGGCCTTCGAGTACATCTCCATTGCC-3'

ClinVar aggregate classification (germline): Likely benign (0 of 4 stars; one submission).

Conditions:
SPAST-related disorder. Also called: SPAST-related condition.

Submission:

PreventionGenetics, part of Exact Sciences
Classification: Likely benign for SPAST-related condition. Last evaluated: 2022-08-25. Review status: no assertion criteria provided. Collection method: clinical testing. Allele origin: germline.
Comment: This variant is classified as likely benign based on ACMG/AMP sequence variant interpretation guidelines (Richards et al. 2015 PMID: 25741868, with internal and published modifications).